The following is an entry in ClinVar:

NM_001354930.2(RIPK1):c.1935G>A (p.Thr645=)

Gene: RIPK1 (receptor interacting serine/threonine kinase 1; plus strand). Cytogenetic location: 6p25.2.
Variant type: single nucleotide variant.
Coding change: c.1935G>A on transcript NM_001354930.2 (MANE Select); coding-DNA position 1935, G replaced by A.
Protein change: p.Thr645=; no amino-acid change (threonine 645 retained).
Molecular consequence: synonymous variant.
Genome position (GRCh38, 1-based): chr6:3,113,258, G>A. VCF-style: chr6-3113258-G-A. GRCh37 (hg19) VCF-style: chr6-3113492-G-A.
Other names: p.Thr645=; c.1446G>A, p.Thr482= (NM_001317061.3, NM_001354932.2, NM_001354933.2 and 1 more transcripts); c.1797G>A, p.Thr599= (NM_001354931.2); c.1935G>A, p.Thr645= (NM_003804.6).
Identifiers: ClinVar variation 712317 (VCV000712317.50), dbSNP rs114183703, ClinGen allele CA3618540.

ClinVar aggregate classification (germline): Benign/Likely benign. Review status: criteria provided, multiple submitters, no conflicts (2 of 4 stars). 9 submissions from 9 submitters: Benign (3); Likely benign (3). 3 of the submissions do not count toward it. Last evaluated 2026-03-01.

Conditions:
RIPK1-related disorder. Also called: RIPK1-related condition.
Autoinflammation with episodic fever and lymphadenopathy. Also called: CLEAVAGE-RESISTANT RIPK1-INDUCED AUTOINFLAMMATORY SYNDROME; CRIA SYNDROME. Identifiers: MedGen C5394286, MONDO:0030018, OMIM 618852.
Immunodeficiency 57. Also called: IMMUNODEFICIENCY 57 WITH AUTOINFLAMMATION. Identifiers: MedGen C4748212, MONDO:0020849, OMIM 618108.

Allele frequency attached by ClinVar (database versions not stated): 1000 Genomes Project 30x 0.00250; 1000 Genomes Project 0.00300; ESP Exome Variant Server 0.00423; TOPMed 0.00446.
gnomAD v4.1: 8,171 of 1,614,124 alleles (0.51%); highest among the groups gnomAD compares: Middle Eastern, 2.3%; 45 homozygotes.

Submissions (9):

CeGaT Center for Human Genetics Tuebingen
Classification: Likely benign. Last evaluated: 2026-03-01. Review status: criteria provided, single submitter. Criteria: CeGaT Center For Human Genetics Tuebingen Variant Classification Criteria Version 2. Collection method: clinical testing. Allele origin: germline. Affected: yes. Observed: 31 variant alleles.
Comment: RIPK1: BP4, BP7, BS2

Labcorp Genetics (formerly Invitae), Labcorp
Classification: Benign. Last evaluated: 2026-02-01. Review status: criteria provided, single submitter. Criteria: Invitae Variant Classification Sherloc (09022015). Collection method: clinical testing. Allele origin: germline.

Women's Health and Genetics/Laboratory Corporation of America, LabCorp
Classification: Benign. Last evaluated: 2025-02-10. Review status: criteria provided, single submitter. Criteria: LabCorp Variant Classification Summary - May 2015. Collection method: clinical testing. Allele origin: germline.

Mayo Clinic Laboratories, Mayo Clinic
Classification: Benign. Last evaluated: 2023-11-30. Review status: criteria provided, single submitter. Criteria: ACMG Guidelines, 2015. Collection method: clinical testing. Allele origin: germline. Observed: 10 variant alleles.
Comment: BS1, BS2, BP4, BP7

Fulgent Genetics
Classification: Likely benign for Immunodeficiency 57; Autoinflammation with episodic fever and lymphadenopathy. Last evaluated: 2021-09-21. Review status: criteria provided, single submitter. Criteria: ACMG Guidelines, 2015. Collection method: clinical testing. Allele origin: unknown.

Breakthrough Genomics
Classification: Likely benign. Review status: criteria provided, single submitter. Criteria: ACMG Guidelines, 2015. Collection method: not provided. Allele origin: germline. Inheritance: Autosomal recessive inheritance. Affected: yes.

PreventionGenetics, part of Exact Sciences
Classification: Likely benign for RIPK1-related condition. Last evaluated: 2019-02-27. Review status: no assertion criteria provided. Collection method: clinical testing. Allele origin: germline. Not counted in ClinVar's aggregate classification.
Comment: This variant is classified as likely benign based on ACMG/AMP sequence variant interpretation guidelines (Richards et al. 2015 PMID: 25741868, with internal and published modifications).

Clinical Genetics DNA and cytogenetics Diagnostics Lab, Erasmus MC, Erasmus Medical Center
Classification: Likely benign. Review status: no assertion criteria provided. Collection method: clinical testing. Allele origin: germline. Affected: yes. Study: VKGL Data-share Consensus. Not counted in ClinVar's aggregate classification.

Genome Diagnostics Laboratory, University Medical Center Utrecht
Classification: Likely benign. Review status: no assertion criteria provided. Collection method: clinical testing. Allele origin: germline. Affected: yes. Study: VKGL Data-share Consensus. Not counted in ClinVar's aggregate classification.